The following is an entry in ClinVar:

ClinVar aggregate classification (germline): Uncertain significance. Review status: criteria provided, multiple submitters, no conflicts (2 of 4 stars). 2 submissions from 2 submitters: Uncertain significance (2). Last evaluated 2025-12-29.

Conditions:
Hereditary cancer-predisposing syndrome. Also called: Neoplastic Syndromes, Hereditary; Tumor predisposition; Hereditary Cancer Syndrome; Hereditary neoplastic syndrome. Identifiers: Orphanet 140162, MedGen C0027672, MeSH D009386, MONDO:0015356.
Renal cell carcinoma. Identifiers: Orphanet 217071, MedGen C0007134, MeSH D002292, MONDO:0005086, HP:0005584.

Submissions (2):

Ambry Genetics
Classification: Uncertain significance for Hereditary cancer-predisposing syndrome. Last evaluated: 2025-12-29. Review status: criteria provided, single submitter. Criteria: Ambry Variant Classification Scheme 2023. Collection method: clinical testing. Allele origin: germline.
Comment: The p.V895F variant (also known as c.2683G>T), located in coding exon 11 of the MET gene, results from a G to T substitution at nucleotide position 2683. The valine at codon 895 is replaced by phenylalanine, an amino acid with highly similar properties. This amino acid position is conserved. In addition, this alteration is predicted to be deleterious by in silico analysis. Based on the available evidence, the clinical significance of this variant remains unclear.

Labcorp Genetics (formerly Invitae), Labcorp
Classification: Uncertain significance for Renal cell carcinoma. Last evaluated: 2022-01-05. Review status: criteria provided, single submitter. Criteria: Invitae Variant Classification Sherloc (09022015). Collection method: clinical testing. Allele origin: germline.
Comment: In summary, the available evidence is currently insufficient to determine the role of this variant in disease. Therefore, it has been classified as a Variant of Uncertain Significance. This variant has not been reported in the literature in individuals affected with MET-related conditions. This variant is not present in population databases (gnomAD no frequency). Algorithms developed to predict the effect of missense changes on protein structure and function are either unavailable or do not agree on the potential impact of this missense change (SIFT: "Deleterious"; PolyPhen-2: "Probably Damaging"; Align-GVGD: "Class C0"). This sequence change replaces valine, which is neutral and non-polar, with phenylalanine, which is neutral and non-polar, at codon 895 of the MET protein (p.Val895Phe).

NM_000245.4(MET):c.2629G>T (p.Val877Phe)

Gene: MET (MET proto-oncogene, receptor tyrosine kinase; plus strand). Cytogenetic location: 7q31.2.
Variant type: single nucleotide variant.
Coding change: c.2629G>T on transcript NM_000245.4 (MANE Select); coding-DNA position 2629, G replaced by T.
Protein change: p.Val877Phe; replaces valine 877 with phenylalanine.
Molecular consequence: missense variant.
Genome position (GRCh38, 1-based): chr7:116,769,690, G>T. VCF-style: chr7-116769690-G-T. GRCh37 (hg19) VCF-style: chr7-116409744-G-T.
Other names: c.2683G>T, p.Val895Phe (NM_001127500.3); c.2629G>T, p.Val877Phe (NM_001324401.3); c.1339G>T, p.Val447Phe (NM_001324402.2); short protein forms V447F, V877F, V895F.
Identifiers: ClinVar variation 1965312 (VCV001965312.6), dbSNP rs2116983137, ClinGen allele CA368985436.